The following is an entry in ClinVar:

NM_004667.6(HERC2):c.9732C>T (p.His3244=)

Gene: HERC2 (HECT and RLD domain containing E3 ubiquitin protein ligase 2; minus strand). Cytogenetic location: 15q13.1.
Variant type: single nucleotide variant.
Coding change: c.9732C>T on transcript NM_004667.6 (MANE Select); coding-DNA position 9732, C replaced by T.
Protein change: p.His3244=; no amino-acid change (histidine 3244 retained).
Molecular consequence: synonymous variant.
Genome position (GRCh38, 1-based): chr15:28,175,611, G>A on the plus strand (C>T on the coding strand, the complement: HERC2 is on the minus strand). VCF-style: chr15-28175611-G-A. GRCh37 (hg19) VCF-style: chr15-28420757-G-A.
Other names: NM_004667.6:c.9732C>T.
Identifiers: ClinVar variation 4974505 (VCV004974505.1).

ClinVar aggregate classification (germline): Uncertain significance (1 of 4 stars; one submission).

Conditions:
Developmental delay with autism spectrum disorder and gait instability (MRT38). Also called: Intellectual developmental disorder, autosomal recessive 38. Identifiers: Orphanet 329195, MedGen C3809753, MONDO:0014224, OMIM 615516.

gnomAD v4.1: 56 of 1,614,006 alleles (0.0035%); highest among the groups gnomAD compares: Non-Finnish European, 0.0042%; no homozygotes.

Submission:

Broad Center for Mendelian Genomics, Broad Institute of MIT and Harvard
Classification: Uncertain significance for Developmental delay with autism spectrum disorder and gait instability. Last evaluated: 2026-08-12. Review status: criteria provided, single submitter. Criteria: ACMG Guidelines, 2015. Collection method: research. Allele origin: germline. Inheritance: Autosomal recessive inheritance. Study: GREGoR Consortium.
Comment: Trio genome analysis revealed that this variant was in trans with the VUS. The p.His3244= variant in HERC2 has not been previously reported in the literature in individuals with similar symptoms, but has been identified in 0.004% (50/1180024) of European (non-Finnish) chromosomes by the Genome Aggregation Database (gnomAD; dbSNP rs760819175). Although this variant has been seen in the general population in a heterozygous state, its frequency is low enough to be consistent with a recessive carrier frequency. Computational prediction tools and conservation analyses suggest that this variant may impact the protein, though this information is not predictive enough to determine pathogenicity. In summary, the clinical significance of the p.His3244= variant is uncertain. ACMG/AMP Criteria applied: PP3, PM2_supporting (Richards 2015).